The following is an entry in ClinVar:

NM_025114.4(CEP290):c.4813-2A>G

Gene: CEP290 (centrosomal protein 290; minus strand). Cytogenetic location: 12q21.32.
Variant type: single nucleotide variant.
Coding change: c.4813-2A>G on transcript NM_025114.4 (MANE Select); the canonical splice acceptor site of the intron before coding-DNA position 4813, A replaced by G.
Molecular consequence: splice acceptor variant.
Genome position (GRCh38, 1-based): chr12:88,083,232, T>C on the plus strand (A>G on the coding strand, the complement: CEP290 is on the minus strand). VCF-style: chr12-88083232-T-C. GRCh37 (hg19) VCF-style: chr12-88477009-T-C.
Identifiers: ClinVar variation 432415 (VCV000432415.43), dbSNP rs369523378, ClinGen allele CA6711850.

ClinVar aggregate classification (germline): Pathogenic/Likely pathogenic. Review status: criteria provided, multiple submitters, no conflicts (2 of 4 stars). 15 submissions from 15 submitters: Pathogenic (3); Likely pathogenic (11). 1 of the submissions does not count toward it. Last evaluated 2026-08-27.

Conditions:
CEP290-related ciliopathy. Also called: CEP290 ciliopathy. Identifiers: MedGen CN305601, MONDO:0100451.
CEP290-related disorder. Also called: CEP290-related condition; CEP290-related disorders. Identifiers: MedGen CN239314.
Nephronophthisis. Also called: Juvenile Nephronophthisis. Identifiers: Orphanet 655, MedGen C0687120, MONDO:0019005, HP:0000090.
Meckel-Gruber syndrome. Also called: Dysencephalia splachnocystica; DYSENCEPHALIA SPLANCHNOCYSTICA; GRUBER SYNDROME. Identifiers: Orphanet 564, MedGen C0265215, MONDO:0018921.
Joubert syndrome. Also called: JOUBERT-BOLTSHAUSER SYNDROME; Familial aplasia of the vermis. Identifiers: Orphanet 475, MedGen C5979921, MONDO:0018772.
Joubert syndrome 5 (JBTS5). Identifiers: Orphanet 2318, MedGen C1857780, MONDO:0012432, OMIM 610188.
Bardet-Biedl syndrome 14 (BBS14). Identifiers: Orphanet 110, MedGen C2673874, MONDO:0014442, OMIM 615991.
Meckel syndrome, type 4 (MKS4). Also called: MECKEL-GRUBER SYNDROME, TYPE 4. Identifiers: Orphanet 564, MedGen C1970161, MONDO:0012626, OMIM 611134.
Senior-Loken syndrome 6 (SLSN6). Identifiers: Orphanet 3156, MedGen C1857779, MONDO:0012433, OMIM 610189.
Leber congenital amaurosis 10 (LCA10). Identifiers: Orphanet 65, MedGen C1857821, MONDO:0012723, OMIM 611755.
Leber congenital amaurosis (LCA). Also called: Leber's amaurosis. Identifiers: Orphanet 65, MedGen C0339527, MeSH D057130, MONDO:0018998.

Allele frequency attached by ClinVar (database versions not stated): gnomAD exomes 0.00004 and 0.00007; ESP Exome Variant Server 0.00009; ExAC 0.00011; 1000 Genomes Project 0.00040; gnomAD 0.00042 and 0.00046; TOPMed 0.00049; 1000 Genomes Project 30x 0.00062.
gnomAD v4.1: 120 of 1,442,580 alleles (0.0083%); highest among the groups gnomAD compares: African/African-American, 0.15%; no homozygotes.

Submissions (16):

Myriad Genetics, Inc.
Classification: Likely pathogenic for CEP290-related ciliopathy. Last evaluated: 2026-08-27. Review status: criteria provided, single submitter. Criteria: Myriad Autosomal Dominant, Autosomal Recessive and X-Linked Classification Criteria (2023). Collection method: clinical testing. Allele origin: unknown.
Comment: NM_025114.3(CEP290):c.4813-2A>G is a variant in a canonical splice site classified as likely pathogenic in the context of CEP290-related disorders. c.4813-2A>G has been observed in a case with relevant disease (PMID: 30902645). Relevant functional assessments of this variant are not available in the literature. c.4813-2A>G has been observed in referenced population frequency databases. In summary, NM_025114.3(CEP290):c.4813-2A>G is a variant in a canonical splice site in a gene where loss of function is a known mechanism of disease, is predicted to disrupt protein function, and has been observed more frequently in cases with the relevant disease than in healthy populations. Please note: this variant was assessed in the context of healthy population screening.

Labcorp Genetics (formerly Invitae), Labcorp
Classification: Likely pathogenic for Joubert syndrome; Meckel-Gruber syndrome; Nephronophthisis. Last evaluated: 2026-01-13. Review status: criteria provided, single submitter. Criteria: Invitae Variant Classification Sherloc (09022015). Collection method: clinical testing. Allele origin: germline.
Comment: This sequence change affects an acceptor splice site in intron 36 of the CEP290 gene. It is expected to disrupt RNA splicing. Variants that disrupt the donor or acceptor splice site typically lead to a loss of protein function (PMID: 16199547), and loss-of-function variants in CEP290 are known to be pathogenic (PMID: 16909394, 17345604, 20690115). This variant is present in population databases (rs369523378, gnomAD 0.1%). Disruption of this splice site has been observed in individual(s) with CEP290-related conditions (PMID: 30902645). ClinVar contains an entry for this variant (Variation ID: 432415). Algorithms developed to predict the effect of sequence changes on RNA splicing suggest that this variant may disrupt the consensus splice site. In summary, the currently available evidence indicates that the variant is pathogenic, but additional data are needed to prove that conclusively. Therefore, this variant has been classified as Likely Pathogenic.

Natera, Inc.
Classification: Likely pathogenic for Leber congenital amaurosis. Last evaluated: 2025-11-30. Review status: criteria provided, single submitter. Criteria: Natera Variant Classification Schema (03/2026). Collection method: clinical testing. Allele origin: germline.
Comment: The c.4813-2A>G variant in CEP290 is a canonical splice acceptor site variant predicted to affect pre-mRNA splicing, which may result in an abnormal transcript and altered protein product. This variant is expected to result in nonsense mediated decay, truncation, or a dysfunctional protein product. This variant is rare in the general population with a frequency below the threshold expected for the associated phenotype(s). Given the available evidence, this variant is classified as Likely Pathogenic.

GeneDx
Classification: Pathogenic. Last evaluated: 2025-10-07. Review status: criteria provided, single submitter. Criteria: GeneDx Variant Classification Process June 2021. Collection method: clinical testing. Allele origin: germline. Affected: yes.
Comment: Canonical splice site variant in a gene for which loss-of-function is a known mechanism of disease; This variant is associated with the following publications: (PMID: 31964843, 30902645, 38167091)

Revvity Omics, Revvity
Classification: Likely pathogenic. Last evaluated: 2024-09-24. Review status: criteria provided, single submitter. Criteria: ACMG Guidelines, 2015. Collection method: clinical testing. Allele origin: germline.

Blueprint Genetics
Classification: Likely pathogenic for CEP290-related disorders. Last evaluated: 2024-08-28. Review status: criteria provided, single submitter. Criteria: ACMG Guidelines, 2015. Collection method: clinical testing. Allele origin: germline. Affected: yes. Observed: 5 variant alleles.

Dasa
Classification: Pathogenic. Last evaluated: 2024-06-12. Review status: criteria provided, single submitter. Criteria: DASA Assertion Criteria. Collection method: clinical testing. Allele origin: germline.
Comment: NM_025114.4(CEP290):c.4813-2A>G introduces a premature termination codon predicted to result in loss of normal protein function. Loss-of-function is an established mechanism of disease for this gene. This variant has been reported in individuals with related phenotype. The variant is present at low frequency in population datasets. Based on the available data, this variant is classified as pathogenic.

Fulgent Genetics
Classification: Likely pathogenic for Joubert syndrome 5; Senior-Loken syndrome 6; Meckel syndrome, type 4; Leber congenital amaurosis 10; Bardet-Biedl syndrome 14. Last evaluated: 2024-03-29. Review status: criteria provided, single submitter. Criteria: ACMG Guidelines, 2015. Collection method: clinical testing. Allele origin: germline.

Baylor Genetics
Classification: Likely pathogenic for Bardet-Biedl syndrome 14. Last evaluated: 2024-03-27. Review status: criteria provided, single submitter. Criteria: ACMG Guidelines, 2015. Collection method: clinical testing. Allele origin: unknown.

Women's Health and Genetics/Laboratory Corporation of America, LabCorp
Classification: Likely pathogenic for CEP290-related disorder. Last evaluated: 2023-12-08. Review status: criteria provided, single submitter. Criteria: LabCorp Variant Classification Summary - May 2015. Collection method: clinical testing. Allele origin: germline.
Comment: Variant summary: CEP290 c.4813-2A>G is located in a canonical splice-site and is predicted to affect mRNA splicing resulting in a significantly altered protein due to either exon skipping, shortening, or inclusion of intronic material. Several computational tools predict a significant impact on normal splicing: Four predict the variant abolishes the canonical 3' splice acceptor site. However, these predictions have yet to be confirmed by functional studies. The variant allele was found at a frequency of 7e-05 in 86284 control chromosomes (gnomAD). c.4813-2A>G has been reported in the literature as a homozygous genotype in at-least one Spanish individual affected with an Inherited Retinal Disease (IRD) phenotype who also harbored another reportedly pathogenic homozygous variant in the NR2E3 gene (c.731del) presenting with clinical features characteristic of two different phenotypic entities (Martin-Merida_2019). These data indicate that the variant may be associated with disease. To our knowledge, no experimental evidence demonstrating an impact on protein function has been reported. Nine submitters have cited clinical-significance assessments for this variant to ClinVar after 2014. All submitters classified the variant as pathogenic/likely pathogenic. Based on the evidence outlined above, the variant was classified as likely pathogenic.

Rady Children's Institute for Genomic Medicine, Rady Children's Hospital San Diego
Classification: Likely pathogenic for CEP290-related disorders. Last evaluated: 2023-10-02. Review status: criteria provided, single submitter. Criteria: ACMG Guidelines, 2015. Collection method: clinical testing. Allele origin: germline. Affected: yes.
Comment: This variant affects the canonical splice acceptor site of intron 36 and is therefore predicted to interfere with splicing and result in loss of normal protein function through either protein truncation or nonsense-mediated mRNA decay. Loss-of-function variation in CEP290 is an established mechanism of disease (PMID: 20690115). This variant has been previously reported as a homozygous change in a patient with inherited retinal disorder (IRD) who also had another homozygous frameshift variant in the NR2E3 gene (PMID: 30902645). The c.4813-2A>G variant is present in the heterozygous state in the gnomAD population database at a frequency of 0.02% (20/117676), and is absent in the homozygous state, thus is presumed to be rare. Based on the available evidence, c.4813-2A>G is classified as a Likely Pathogenic.

Genetic Services Laboratory, University of Chicago
Classification: Likely pathogenic. Last evaluated: 2023-01-12. Review status: criteria provided, single submitter. Criteria: ACMG Guidelines, 2015. Collection method: clinical testing. Allele origin: germline. Affected: yes.
Comment: DNA sequence analysis of the CEP290 gene demonstrated a sequence change in the canonical splice acceptor site of intron 36, c.4813-2A>G. This sequence change has been described in the gnomAD database with a frequency of 0.14% in the African/African American subpopulation (dbSNP rs369523378). This likely pathogenic sequence change has previously been described in the homozygous state in an individual with an inherited retinal disease (PMID: 30902645). This likely pathogenic sequence change is predicted to affect normal splicing of the CEP290 gene and result in an abnormal protein, however functional studies have not been performed to prove this conclusively. Based on these evidences, this sequence change is classified as likely pathogenic.

Mendelics
Classification: Pathogenic for Joubert syndrome 5. Last evaluated: 2022-05-04. Review status: criteria provided, single submitter. Criteria: Mendelics Assertion Criteria 2019. Collection method: clinical testing. Allele origin: germline.

Eurofins Ntd Llc (ga)
Classification: Likely pathogenic. Last evaluated: 2016-12-09. Review status: criteria provided, single submitter. Criteria: EGL Classification Definitions 2015. Collection method: clinical testing. Allele origin: germline. Observed: 1 variant allele, 1 heterozygote.

PreventionGenetics, part of Exact Sciences
Classification: Likely pathogenic for CEP290-related condition. Last evaluated: 2024-09-06. Review status: no assertion criteria provided. Collection method: clinical testing. Allele origin: germline. Not counted in ClinVar's aggregate classification.
Comment: The CEP290 c.4813-2A>G variant is predicted to disrupt the AG splice acceptor site and interfere with normal splicing. While this variant disrupts the canonical splice acceptor site, it is also predicted to activate a cryptic splice acceptor site 15 nucleotides into the exon (SpliceAI, Jaganathan et al. 2019. PubMed ID: 30661751). The activation of the cryptic splice site is predicted to delete 5 amino acids. This variant has been reported in the homozygous state in an individual with retinitis pigmentosa; however, this individual also harbored a homozygous NR2E3 frameshift variant (Family RP-2350 in Figure S4, Martin-Merida et al. 2019. PubMed ID: 30902645). This variant is reported in 0.14% of alleles in individuals of African descent in gnomAD, indicating it is relatively common in this population. This variant is interpreted as likely pathogenic.

Dr. Peter K. Rogan Lab, Western University
No classification provided (evidence only). Condition: Familial cancer of breast. Review status: no classification provided. Collection method: in vitro. Allele origin: not applicable. Functional consequence: skipped exon. Not counted in ClinVar's aggregate classification.

Literature cited by the submitters: PubMed 30902645 (cited by 3 submitters); PubMed 16199547 (cited by Labcorp Genetics (formerly Invitae), Labcorp); PubMed 16909394 (cited by Labcorp Genetics (formerly Invitae), Labcorp); PubMed 17345604 (cited by Labcorp Genetics (formerly Invitae), Labcorp); PubMed 20690115 (cited by Labcorp Genetics (formerly Invitae), Labcorp and Rady Children's Institute for Genomic Medicine, Rady Children's Hospital San Diego); 30902645 (cited by Rady Children's Institute for Genomic Medicine, Rady Children's Hospital San Diego).